The following is an entry in ClinVar:

ClinVar aggregate classification (germline): Uncertain significance. Review status: criteria provided, multiple submitters, no conflicts (2 of 4 stars). 2 submissions from 2 submitters: Uncertain significance (2). Last evaluated 2024-02-09.

Submissions (2):

GeneDx
Classification: Uncertain significance. Last evaluated: 2024-02-09. Review status: criteria provided, single submitter. Criteria: GeneDx Variant Classification Process June 2021. Collection method: clinical testing. Allele origin: germline. Affected: yes.
Comment: Not observed at significant frequency in large population cohorts (gnomAD); In silico analysis supports that this missense variant does not alter protein structure/function; Has not been previously published as pathogenic or benign to our knowledge

Eurofins Ntd Llc (ga)
Classification: Uncertain significance. Last evaluated: 2015-02-11. Review status: criteria provided, single submitter. Criteria: EGL Classification Definitions 2015. Collection method: clinical testing. Allele origin: germline. Observed: 1 variant allele, 1 heterozygote.

NM_198525.3(KIF7):c.1093C>A (p.Pro365Thr)

Gene: KIF7 (kinesin family member 7; minus strand). Cytogenetic location: 15q26.1.
Variant type: single nucleotide variant.
Coding change: c.1093C>A on transcript NM_198525.3 (MANE Select); coding-DNA position 1093, C replaced by A.
Protein change: p.Pro365Thr; replaces proline 365 with threonine.
Molecular consequence: missense variant.
Genome position (GRCh38, 1-based): chr15:89,648,605, G>T on the plus strand (C>A on the coding strand, the complement: KIF7 is on the minus strand). VCF-style: chr15-89648605-G-T. GRCh37 (hg19) VCF-style: chr15-90191836-G-T.
Other names: c.1093C>A (NM_198525.2); short protein forms P365T.
Identifiers: ClinVar variation 197901 (VCV000197901.6), dbSNP rs794727742, ClinGen allele CA020173.